The following is an entry in ClinVar:

NM_000018.4(ACADVL):c.1429del (p.Cys477fs)

Gene: ACADVL (acyl-CoA dehydrogenase very long chain; plus strand). Cytogenetic location: 17p13.1.
Variant type: Deletion.
Coding change: c.1429del on transcript NM_000018.4 (MANE Select); coding-DNA position 1429, one base deleted (T; older notation c.1429delT).
Protein change: p.Cys477fs; shifts the reading frame from cysteine 477.
Molecular consequence: frameshift variant.
Genome position (GRCh38, 1-based): chr17:7,224,064, T deleted. VCF-style (leftmost placement, unchanged base first): chr17-7224063-CT-C. GRCh37 (hg19) VCF-style: chr17-7127382-CT-C.
Other names: c.1363del, p.Cys455fs (NM_001033859.3); c.1498del, p.Cys500fs (NM_001270447.2); c.1201del, p.Cys401fs (NM_001270448.2); short protein forms C401fs, C455fs, C477fs, C500fs.
Identifiers: ClinVar variation 2635422 (VCV002635422.2), dbSNP rs2508350728, ClinGen allele CA2695201236.

ClinVar aggregate classification (germline): Pathogenic. Review status: criteria provided, multiple submitters, no conflicts (2 of 4 stars). 2 submissions from 2 submitters: Pathogenic (2). Last evaluated 2025-10-21.

Conditions:
ACADVL-related disorder. Also called: ACADVL-related condition.
Very long chain acyl-CoA dehydrogenase deficiency (ACADVLD). Also called: Very Long-Chain Acyl-Coenzyme A Dehydrogenase Deficiency; VLCAD Deficiency. Identifiers: Orphanet 26793, MedGen C3887523, MONDO:0008723, OMIM 201475.

Submissions (2):

Myriad Genetics, Inc.
Classification: Pathogenic for Very long chain acyl-CoA dehydrogenase deficiency. Last evaluated: 2025-10-21. Review status: criteria provided, single submitter. Criteria: Myriad Autosomal Dominant, Autosomal Recessive and X-Linked Classification Criteria (2023). Collection method: clinical testing. Allele origin: unknown.
Comment: NM_000018.3(ACADVL):c.1429delT(C477Vfs*15) is expected to be pathogenic in the context of very-long-chain acyl-CoA dehydrogenase deficiency. This variant is predicted to lead to an abnormal or absent protein product due to the creation of a premature termination codon in ACADVL, a gene where loss-of-function variants are known to be pathogenic. Please note: this variant was assessed in the context of healthy population screening.

PreventionGenetics, part of Exact Sciences
Classification: Pathogenic for ACADVL-related condition. Last evaluated: 2022-11-28. Review status: criteria provided, single submitter. Criteria: ACMG Guidelines, 2015. Collection method: clinical testing. Allele origin: germline.
Comment: The ACADVL c.1429delT variant is predicted to result in a frameshift and premature protein termination (p.Cys477Valfs*15). To our knowledge, this variant has not been reported in the literature or in a large population database, indicating this variant is rare. Frameshift variants in ACADVL are expected to be pathogenic, and therefore this variant is interpreted as pathogenic.